The following is an entry in ClinVar:

ClinVar aggregate classification (germline): Uncertain significance (1 of 4 stars; one submission).

Conditions:
Inborn genetic diseases. Identifiers: MedGen C0950123, MeSH D030342.

Submission:

Ambry Genetics
Classification: Uncertain significance for Inborn genetic diseases. Last evaluated: 2025-03-07. Review status: criteria provided, single submitter. Criteria: Ambry Variant Classification Scheme 2023. Collection method: clinical testing. Allele origin: germline.
Comment: The p.V615I variant (also known as c.1843G>A), located in coding exon 18 of the ANKRD26 gene, results from a G to A substitution at nucleotide position 1843. The valine at codon 615 is replaced by isoleucine, an amino acid with highly similar properties. This amino acid position is conserved. In addition, this alteration is predicted to be tolerated by in silico analysis. Based on the available evidence, the clinical significance of this variant remains unclear.

NM_014915.3(ANKRD26):c.1843G>A (p.Val615Ile)

Gene: ANKRD26 (ankyrin repeat domain containing 26; minus strand). Cytogenetic location: 10p12.1.
Variant type: single nucleotide variant.
Coding change: c.1843G>A on transcript NM_014915.3 (MANE Select); coding-DNA position 1843, G replaced by A.
Protein change: p.Val615Ile; replaces valine 615 with isoleucine.
Molecular consequence: missense variant.
Genome position (GRCh38, 1-based): chr10:27,046,495, C>T on the plus strand (G>A on the coding strand, the complement: ANKRD26 is on the minus strand). VCF-style: chr10-27046495-C-T. GRCh37 (hg19) VCF-style: chr10-27335424-C-T.
Other names: c.1840G>A, p.Val614Ile (NM_001256053.2); short protein forms V614I, V615I.
Identifiers: ClinVar variation 3872106 (VCV003872106.1).